The following is an entry in ClinVar:

NM_004360.5(CDH1):c.1982G>T (p.Gly661Val)

Gene: CDH1 (cadherin 1; plus strand). Cytogenetic location: 16q22.1.
Variant type: single nucleotide variant.
Coding change: c.1982G>T on transcript NM_004360.5 (MANE Select); coding-DNA position 1982, G replaced by T.
Protein change: p.Gly661Val; replaces glycine 661 with valine.
Molecular consequence: missense variant.
Genome position (GRCh38, 1-based): chr16:68,823,444, G>T. VCF-style: chr16-68823444-G-T. GRCh37 (hg19) VCF-style: chr16-68857347-G-T.
Other names: c.1799G>T, p.Gly600Val (NM_001317184.2); c.434G>T, p.Gly145Val (NM_001317185.2); c.17G>T, p.Gly6Val (NM_001317186.2); short protein forms G145V, G600V, G6V, G661V.
Identifiers: ClinVar variation 3488646 (VCV003488646.1).

ClinVar aggregate classification (germline): Uncertain significance (1 of 4 stars; one submission).

Conditions:
Hereditary cancer-predisposing syndrome. Also called: Tumor predisposition; Neoplastic Syndromes, Hereditary; Hereditary Cancer Syndrome; Hereditary neoplastic syndrome. Identifiers: Orphanet 140162, MedGen C0027672, MeSH D009386, MONDO:0015356.

Submission:

Ambry Genetics
Classification: Uncertain significance for Hereditary cancer-predisposing syndrome. Last evaluated: 2024-08-20. Review status: criteria provided, single submitter. Criteria: Ambry Variant Classification Scheme 2023. Collection method: clinical testing. Allele origin: germline.
Comment: The p.G661V variant (also known as c.1982G>T), located in coding exon 13 of the CDH1 gene, results from a G to T substitution at nucleotide position 1982. The glycine at codon 661 is replaced by valine, an amino acid with dissimilar properties. This amino acid position is conserved. In addition, this alteration is predicted to be deleterious by in silico analysis. Based on the available evidence, the clinical significance of this variant remains unclear.